The following is an entry in ClinVar:

NM_005141.5(FGB):c.569A>G (p.Asn190Ser)

Gene: FGB (fibrinogen beta chain; plus strand). Cytogenetic location: 4q31.3.
Variant type: single nucleotide variant.
Coding change: c.569A>G on transcript NM_005141.5 (MANE Select); coding-DNA position 569, A replaced by G.
Protein change: p.Asn190Ser; replaces asparagine 190 with serine.
Molecular consequence: missense variant.
Genome position (GRCh38, 1-based): chr4:154,567,671, A>G. VCF-style: chr4-154567671-A-G. GRCh37 (hg19) VCF-style: chr4-155488823-A-G.
Other names: p.Asn190Ser; c.392A>G, p.Asn131Ser (NM_001184741.1); c.437A>G, p.Asn146Ser (NM_001382759.1); c.569A>G, p.Asn190Ser (NM_001382760.1, NM_001382761.1, NM_001382762.1 and 3 more transcripts); short protein forms N131S, N146S, N190S.
Identifiers: ClinVar variation 3382074 (VCV003382074.4).
Genomic context (GRCh38, chr4:154,567,671, plus strand): 5'-ATGAGTACTCCTCAGAACTGGAAAAGCACCAATTATATATAGATGAGACTGTGAATAGCA[A>G]TATCCCAACTAACCTTCGTGTGCTTCGTTCAATCCTGGAAAACCTGAGAAGCAAAATACA-3'
Protein context (NP_005132.2, residues 180-200): QLYIDETVNS[Asn190Ser]IPTNLRVLRS

ClinVar aggregate classification (germline): Conflicting classifications of pathogenicity. Review status: criteria provided, conflicting classifications (1 of 4 stars). 2 submissions from 2 submitters: Likely pathogenic (1); Uncertain significance (1). Last evaluated 2025-02-05.

Conditions:
Familial dysfibrinogenemia. Also called: Dysfibrinogenemia, congenital. Identifiers: Orphanet 335, Orphanet 98881, MedGen C0272350, MONDO:0014452, OMIM 616004.

Submissions (2):

Mayo Clinic Laboratories, Mayo Clinic
Classification: Uncertain significance. Last evaluated: 2025-02-05. Review status: criteria provided, single submitter. Criteria: ACMG Guidelines, 2015. Collection method: clinical testing. Allele origin: germline. Observed: 1 variant allele.
Comment: PP4_moderate, PM2_supporting, PS3_supporting

Juno Genomics, Hangzhou Juno Genomics, Inc
Classification: Likely pathogenic for Familial dysfibrinogenemia. Review status: criteria provided, single submitter. Criteria: ACMG Guidelines, 2015. Collection method: clinical testing. Allele origin: germline. Affected: yes.
Comment: Absent from controls (or at extremely low frequency if recessive) in Genome Aggregation Database, Exome Sequencing Project, 1000 Genomes Project, or Exome Aggregation Consortium.;The prevalence of the variant in affected individuals is significantly increased compared to the prevalence in controls.;Co-segregation with disease in multiple affected family members in a gene definitively known to cause the disease.;Patient's phenotype or family history is highly specific for a disease with a single genetic etiology.

Literature cited by the submitters: PubMed 10572095 (cited by Mayo Clinic Laboratories, Mayo Clinic); PubMed 31583746 (cited by Mayo Clinic Laboratories, Mayo Clinic).